The following is an entry in ClinVar:

NM_153240.5(NPHP3):c.958G>T (p.Asp320Tyr)

Genes: NPHP3 (nephrocystin 3; minus strand), NPHP3-ACAD11 (NPHP3-ACAD11 readthrough (NMD candidate); minus strand). Cytogenetic location: 3q22.1.
Variant type: single nucleotide variant.
Coding change: c.958G>T on transcript NM_153240.5 (MANE Select); coding-DNA position 958, G replaced by T.
Protein change: p.Asp320Tyr; replaces aspartic acid 320 with tyrosine.
Molecular consequence: missense variant. On other transcripts: non-coding transcript variant (1).
Genome position (GRCh38, 1-based): chr3:132,713,286, C>A on the plus strand (G>T on the coding strand, the complement: NPHP3 is on the minus strand). VCF-style: chr3-132713286-C-A. GRCh37 (hg19) VCF-style: chr3-132432130-C-A.
Other names: short protein forms D320Y.
Identifiers: ClinVar variation 1418125 (VCV001418125.7), dbSNP rs75288730, ClinGen allele CA83604807.

ClinVar aggregate classification (germline): Uncertain significance. Review status: criteria provided, multiple submitters, no conflicts (2 of 4 stars). 3 submissions from 3 submitters: Uncertain significance (3). Last evaluated 2021-09-13.

Conditions:
NPHP3-related Meckel-like syndrome. Also called: Meckel syndrome type 7; GOLDSTON SYNDROME. Identifiers: Orphanet 3032, MedGen C2673885, MONDO:0009966, OMIM 267010.
Nephronophthisis 3 (NPHP3). Also called: Adolescent nephronophthisis. Identifiers: Orphanet 655, MedGen C1858392, MONDO:0011456, OMIM 604387.
Renal-hepatic-pancreatic dysplasia 1 (RHPD1). Identifiers: MedGen C3715199, MONDO:0008833, OMIM 208540.
Nephronophthisis. Also called: Juvenile Nephronophthisis. Identifiers: Orphanet 655, MedGen C0687120, MONDO:0019005, HP:0000090.

Allele frequency attached by ClinVar (database versions not stated): gnomAD 0.00001; gnomAD exomes 0.00001; TOPMed 0.00002.

Submissions (3):

Fulgent Genetics
Classification: Uncertain significance for Renal-hepatic-pancreatic dysplasia 1; NPHP3-related Meckel-like syndrome; Nephronophthisis 3. Last evaluated: 2021-09-13. Review status: criteria provided, single submitter. Criteria: ACMG Guidelines, 2015. Collection method: clinical testing. Allele origin: unknown.

Labcorp Genetics (formerly Invitae), Labcorp
Classification: Uncertain significance for Nephronophthisis. Last evaluated: 2021-08-26. Review status: criteria provided, single submitter. Criteria: Invitae Variant Classification Sherloc (09022015). Collection method: clinical testing. Allele origin: germline.
Comment: This sequence change replaces aspartic acid with tyrosine at codon 320 of the NPHP3 protein (p.Asp320Tyr). The aspartic acid residue is moderately conserved and there is a large physicochemical difference between aspartic acid and tyrosine. This variant is not present in population databases (ExAC no frequency). This variant has not been reported in the literature in individuals affected with NPHP3-related conditions. Algorithms developed to predict the effect of missense changes on protein structure and function are either unavailable or do not agree on the potential impact of this missense change (SIFT: "Deleterious"; PolyPhen-2: "Benign"; Align-GVGD: "Class C0"). Algorithms developed to predict the effect of sequence changes on RNA splicing suggest that this variant may disrupt the consensus splice site. In summary, the available evidence is currently insufficient to determine the role of this variant in disease. Therefore, it has been classified as a Variant of Uncertain Significance.

Blueprint Genetics
Classification: Uncertain significance. Last evaluated: 2019-10-28. Review status: criteria provided, single submitter. Criteria: ACMG Guidelines, 2015. Collection method: clinical testing. Allele origin: germline.